The following is an entry in ClinVar:

ClinVar aggregate classification (germline): Likely benign (1 of 4 stars; one submission).

gnomAD v4.1: 89 of 1,613,382 alleles (0.0055%); highest among the groups gnomAD compares: Non-Finnish European, 0.007%; no homozygotes.

Submission:

CeGaT Center for Human Genetics Tuebingen
Classification: Likely benign. Last evaluated: 2026-09-01. Review status: criteria provided, single submitter. Criteria: CeGaT Center For Human Genetics Tuebingen Variant Classification Criteria Version 2. Collection method: clinical testing. Allele origin: germline. Affected: yes. Observed: 1 variant allele.
Comment: TNPO2: BP4, BP7

NM_001382241.1(TNPO2):c.375C>G (p.Pro125=)

Gene: TNPO2 (transportin 2; minus strand). Cytogenetic location: 19p13.13.
Variant type: single nucleotide variant.
Coding change: c.375C>G on transcript NM_001382241.1 (MANE Select); coding-DNA position 375, C replaced by G.
Protein change: p.Pro125=; no amino-acid change (proline 125 retained).
Molecular consequence: synonymous variant. On other transcripts: non-coding transcript variant (6).
Genome position (GRCh38, 1-based): chr19:12,715,690, G>C on the plus strand (C>G on the coding strand, the complement: TNPO2 is on the minus strand). VCF-style: chr19-12715690-G-C. GRCh37 (hg19) VCF-style: chr19-12826504-G-C.
Other names: c.375C>G, p.Pro125= (NM_001136195.2, NM_001136196.2, NM_001382236.1 and 7 more transcripts).
Identifiers: ClinVar variation 5040847 (VCV005040847.1).